The following is an entry in ClinVar:

NM_024675.4(PALB2):c.3248A>G (p.Glu1083Gly)

Gene: PALB2 (partner and localizer of BRCA2; minus strand). Cytogenetic location: 16p12.2.
Variant type: single nucleotide variant.
Coding change: c.3248A>G on transcript NM_024675.4 (MANE Select); coding-DNA position 3248, A replaced by G.
Protein change: p.Glu1083Gly; replaces glutamic acid 1083 with glycine.
Molecular consequence: missense variant.
Genome position (GRCh38, 1-based): chr16:23,607,966, T>C on the plus strand (A>G on the coding strand, the complement: PALB2 is on the minus strand). VCF-style: chr16-23607966-T-C. GRCh37 (hg19) VCF-style: chr16-23619287-T-C.
Other names: short protein forms E1083G.
Identifiers: ClinVar variation 1315646 (VCV001315646.3), dbSNP rs2142273459, ClinGen allele CA395139831.

ClinVar aggregate classification (germline): Uncertain significance. Review status: criteria provided, multiple submitters, no conflicts (2 of 4 stars). 2 submissions from 2 submitters: Uncertain significance (2). Last evaluated 2025-04-28.

Conditions:
Hereditary cancer-predisposing syndrome. Also called: Hereditary neoplastic syndrome; Neoplastic Syndromes, Hereditary; Tumor predisposition; Hereditary Cancer Syndrome. Identifiers: Orphanet 140162, MedGen C0027672, MeSH D009386, MONDO:0015356.

Submissions (2):

Color Diagnostics, LLC DBA Color Health
Classification: Uncertain significance for Hereditary cancer-predisposing syndrome. Last evaluated: 2025-04-28. Review status: criteria provided, single submitter. Criteria: ACMG Guidelines, 2015. Collection method: clinical testing. Allele origin: germline.
Comment: This missense variant replaces glutamic acid with glycine at codon 1083 of the PALB2 protein. Computational prediction suggests that this variant may not impact protein structure and function. To our knowledge, functional studies have not been reported for this variant. This variant has not been reported in individuals affected with PALB2-related disorders in the literature. This variant has not been identified in the general population by the Genome Aggregation Database (gnomAD). The available evidence is insufficient to determine the role of this variant in disease conclusively. Therefore, this variant is classified as a Variant of Uncertain Significance.

GeneDx
Classification: Uncertain significance. Last evaluated: 2019-08-15. Review status: criteria provided, single submitter. Criteria: GeneDx Variant Classification Process June 2021. Collection method: clinical testing. Allele origin: germline. Affected: yes.
Comment: Not observed in large population cohorts (Lek et al., 2016); In silico analysis, which includes protein predictors and evolutionary conservation, supports a deleterious effect; Has not been previously published as pathogenic or benign to our knowledge